The following is an entry in ClinVar:

NM_001142800.2(EYS):c.2277C>A (p.Cys759Ter)

Gene: EYS (EGF-like photoreceptor maintenance factor; minus strand). Cytogenetic location: 6q12.
Variant type: single nucleotide variant.
Coding change: c.2277C>A on transcript NM_001142800.2 (MANE Select); coding-DNA position 2277, C replaced by A.
Protein change: p.Cys759Ter; replaces cysteine 759 with a stop codon.
Molecular consequence: nonsense.
Genome position (GRCh38, 1-based): chr6:64,945,897, G>T on the plus strand (C>A on the coding strand, the complement: EYS is on the minus strand). VCF-style: chr6-64945897-G-T. GRCh37 (hg19) VCF-style: chr6-65655790-G-T.
Other names: c.2277C>A, p.Cys759Ter (NM_001292009.2); short protein forms C759*.
Identifiers: ClinVar variation 1996261 (VCV001996261.4), dbSNP rs2533459500, ClinGen allele CA364788250.
Genomic context (GRCh38, chr6:64,945,897, plus strand): 5'-AGGATTCATTTTACACTCATTGGATTCTTGTTCACAAAAATTTCCTTCCCAATCAGATAG[G>T]CACACACACTGGTAGCTCTAAGAGAATATGAAATTATATATTTTTAGGCTATTTCTTACT-3'

ClinVar aggregate classification (germline): Pathogenic (1 of 4 stars; one submission).

Submission:

Labcorp Genetics (formerly Invitae), Labcorp
Classification: Pathogenic. Last evaluated: 2023-11-20. Review status: criteria provided, single submitter. Criteria: Invitae Variant Classification Sherloc (09022015). Collection method: clinical testing. Allele origin: germline.
Comment: This sequence change creates a premature translational stop signal (p.Cys759*) in the EYS gene. It is expected to result in an absent or disrupted protein product. Loss-of-function variants in EYS are known to be pathogenic (PMID: 18836446, 20333770). This variant is not present in population databases (gnomAD no frequency). This variant has not been reported in the literature in individuals affected with EYS-related conditions. ClinVar contains an entry for this variant (Variation ID: 1996261). For these reasons, this variant has been classified as Pathogenic.

Literature cited by the submitters: PubMed 18836446; PubMed 20333770.